The following is an entry in ClinVar:

ClinVar aggregate classification (germline): Likely pathogenic. Review status: criteria provided, single submitter (1 of 4 stars). 2 submissions from 2 submitters: Likely pathogenic (1). 1 of the submissions does not count toward it. Last evaluated 2024-02-23.

Conditions:
Tuberous sclerosis syndrome (TSC). Also called: Tuberous Sclerosis Complex; Tuberous sclerosis. Identifiers: Orphanet 805, MedGen C0041341, MONDO:0001734.
Tuberous sclerosis 2 (TSC2). Identifiers: Orphanet 805, MedGen C1860707, MONDO:0013199, OMIM 613254.

Submissions (2):

Labcorp Genetics (formerly Invitae), Labcorp
Classification: Likely pathogenic for Tuberous sclerosis 2. Last evaluated: 2024-02-23. Review status: criteria provided, single submitter. Criteria: Invitae Variant Classification Sherloc (09022015). Collection method: clinical testing. Allele origin: germline.
Comment: This sequence change replaces cysteine, which is neutral and slightly polar, with arginine, which is basic and polar, at codon 696 of the TSC2 protein (p.Cys696Arg). This variant is not present in population databases (gnomAD no frequency). This missense change has been observed in individual(s) with tuberous sclerosis complex (PMID: 14641237, 16981987, 21510812; Invitae). ClinVar contains an entry for this variant (Variation ID: 50105). Advanced modeling of protein sequence and biophysical properties (such as structural, functional, and spatial information, amino acid conservation, physicochemical variation, residue mobility, and thermodynamic stability) has been performed at Invitae for this missense variant, however the output from this modeling did not meet the statistical confidence thresholds required to predict the impact of this variant on TSC2 protein function. This variant disrupts the p.Cys696 amino acid residue in TSC2. Other variant(s) that disrupt this residue have been determined to be pathogenic (PMID: 10205261; Invitae). This suggests that this residue is clinically significant, and that variants that disrupt this residue are likely to be disease-causing. In summary, the currently available evidence indicates that the variant is pathogenic, but additional data are needed to prove that conclusively. Therefore, this variant has been classified as Likely Pathogenic.

Tuberous sclerosis database (TSC2)
No classification provided. Condition: TSC. Review status: no classification provided. Criteria: Tuberous Sclerosis Database Assertion Criteria 2015. Collection method: curation. Allele origin: germline. Affected: yes. Not counted in ClinVar's aggregate classification.

Literature cited by the submitters: PubMed 14641237 (cited by Labcorp Genetics (formerly Invitae), Labcorp); PubMed 16981987 (cited by Labcorp Genetics (formerly Invitae), Labcorp); PubMed 21510812 (cited by Labcorp Genetics (formerly Invitae), Labcorp); PubMed 10205261 (cited by Labcorp Genetics (formerly Invitae), Labcorp).

NM_000548.5(TSC2):c.2086T>C (p.Cys696Arg)

Gene: TSC2 (TSC complex subunit 2; plus strand). Cytogenetic location: 16p13.3.
Variant type: single nucleotide variant.
Coding change: c.2086T>C on transcript NM_000548.5 (MANE Select); coding-DNA position 2086, T replaced by C.
Protein change: p.Cys696Arg; replaces cysteine 696 with arginine.
Molecular consequence: missense variant.
Genome position (GRCh38, 1-based): chr16:2,071,923, T>C. VCF-style: chr16-2071923-T-C. GRCh37 (hg19) VCF-style: chr16-2121924-T-C.
Other names: c.2086T>C, p.Cys696Arg (NM_001077183.3, NM_001114382.3, NM_001363528.2 and 3 more transcripts); c.1975T>C, p.Cys659Arg (NM_001318827.2); c.1939T>C, p.Cys647Arg (NM_001318829.2); c.1486T>C, p.Cys496Arg (NM_001318831.2); c.2119T>C, p.Cys707Arg (NM_001318832.2); short protein forms C696R, C659R, C496R, C647R, C707R.
Identifiers: ClinVar variation 50105 (VCV000050105.8), dbSNP rs45483301, ClinGen allele CA016629.